The following is an entry in ClinVar:

NM_001330311.2(DVL1):c.770-5T>C

Gene: DVL1 (dishevelled segment polarity protein 1; minus strand). Cytogenetic location: 1p36.33.
Variant type: single nucleotide variant.
Coding change: c.770-5T>C on transcript NM_001330311.2 (MANE Select); 5 bases into the intron before coding-DNA position 770, T replaced by C.
Molecular consequence: intron variant.
Genome position (GRCh38, 1-based): chr1:1,340,182, A>G on the plus strand (T>C on the coding strand, the complement: DVL1 is on the minus strand). VCF-style: chr1-1340182-A-G. GRCh37 (hg19) VCF-style: chr1-1275562-A-G.
Other names: c.770-5T>C (NM_004421.3, NM_004421.2).
Identifiers: ClinVar variation 1615720 (VCV001615720.10), dbSNP rs772781809, ClinGen allele CA520416.
Genomic context (GRCh38, chr1:1,340,182, plus strand): 5'-GTCTCCACGGTCGTTGCTCTGCCCCACGATGCTGATGCCCAGAAAGTGATGTCTTTCTGC[A>G]GGAAGAGCCATGAGCCGCGGCCAAGCCCCTGCCCCTGCCCCCAACCCTCGCCCCGAGGCC-3'

ClinVar aggregate classification (germline): Likely benign. Review status: criteria provided, single submitter (1 of 4 stars). 2 submissions from 2 submitters: Likely benign (1). 1 of the submissions does not count toward it. Last evaluated 2024-10-31.

Conditions:
DVL1-related disorder. Also called: DVL1-related condition.

Allele frequency attached by ClinVar (database versions not stated): ExAC 0.00001; gnomAD exomes 0.00001 and 0.00003; TOPMed 0.00001; gnomAD 0.00002.
gnomAD v4.1: 54 of 1,613,526 alleles (0.0033%); highest among the groups gnomAD compares: Admixed American, 0.005%; no homozygotes.

Submissions (2):

Labcorp Genetics (formerly Invitae), Labcorp
Classification: Likely benign. Last evaluated: 2024-10-31. Review status: criteria provided, single submitter. Criteria: Invitae Variant Classification Sherloc (09022015). Collection method: clinical testing. Allele origin: germline.

PreventionGenetics, part of Exact Sciences
Classification: Likely benign for DVL1-related condition. Last evaluated: 2023-05-19. Review status: no assertion criteria provided. Collection method: clinical testing. Allele origin: germline. Not counted in ClinVar's aggregate classification.
Comment: This variant is classified as likely benign based on ACMG/AMP sequence variant interpretation guidelines (Richards et al. 2015 PMID: 25741868, with internal and published modifications).